The following is an entry in ClinVar:

NM_000051.4(ATM):c.5394A>G (p.Leu1798=)

Gene: ATM (ATM serine/threonine kinase; plus strand). Cytogenetic location: 11q22.3.
Variant type: single nucleotide variant.
Coding change: c.5394A>G on transcript NM_000051.4 (MANE Select); coding-DNA position 5394, A replaced by G.
Protein change: p.Leu1798=; no amino-acid change (leucine 1798 retained).
Molecular consequence: synonymous variant.
Genome position (GRCh38, 1-based): chr11:108,302,927, A>G. VCF-style: chr11-108302927-A-G. GRCh37 (hg19) VCF-style: chr11-108173654-A-G.
Other names: c.5394A>G, p.Leu1798= (NM_001351834.2).
Identifiers: ClinVar variation 1143409 (VCV001143409.10), dbSNP rs2135928681, ClinGen allele CA476674942.

ClinVar aggregate classification (germline): Likely benign. Review status: criteria provided, multiple submitters, no conflicts (2 of 4 stars). 2 submissions from 2 submitters: Likely benign (2). Last evaluated 2025-12-29.

Conditions:
Ataxia-telangiectasia syndrome (AT). Also called: LOUIS-BAR SYNDROME; Ataxia telangiectasia (A-T); Cerebello-oculocutaneous telangiectasia; Immunodeficiency with ataxia telangiectasia; Ataxia-telangiectasia; Ataxia-telangiectasia, complementation group D. Identifiers: Orphanet 100, MedGen C0004135, MONDO:0008840, OMIM 208900.

Submissions (2):

Center for Genomic Medicine, Rigshospitalet, Copenhagen University Hospital
Classification: Likely benign. Last evaluated: 2025-12-29. Review status: criteria provided, single submitter. Criteria: ACMG Guidelines, 2015. Collection method: clinical testing. Allele origin: germline.
Comment: Classification criteria: BP4, BP7

Labcorp Genetics (formerly Invitae), Labcorp
Classification: Likely benign for Ataxia-telangiectasia syndrome. Last evaluated: 2022-09-11. Review status: criteria provided, single submitter. Criteria: Invitae Variant Classification Sherloc (09022015). Collection method: clinical testing. Allele origin: germline.